The following is an entry in ClinVar:

ClinVar aggregate classification (germline): Uncertain significance (1 of 4 stars; one submission).

gnomAD v4.1: 1 of 1,612,266 alleles (0.000062%); no homozygotes.

Submission:

Labcorp Genetics (formerly Invitae), Labcorp
Classification: Uncertain significance. Last evaluated: 2024-10-29. Review status: criteria provided, single submitter. Criteria: Invitae Variant Classification Sherloc (09022015). Collection method: clinical testing. Allele origin: germline.
Comment: This sequence change replaces serine, which is neutral and polar, with asparagine, which is neutral and polar, at codon 15 of the RBP4 protein (p.Ser15Asn). This variant is not present in population databases (gnomAD no frequency). This variant has not been reported in the literature in individuals affected with RBP4-related conditions. ClinVar contains an entry for this variant (Variation ID: 1022786). An algorithm developed to predict the effect of missense changes on protein structure and function (PolyPhen-2) suggests that this variant is likely to be tolerated. In summary, the available evidence is currently insufficient to determine the role of this variant in disease. Therefore, it has been classified as a Variant of Uncertain Significance.

NM_006744.4(RBP4):c.44G>A (p.Ser15Asn)

Gene: RBP4 (retinol binding protein 4; minus strand). Cytogenetic location: 10q23.33.
Variant type: single nucleotide variant.
Coding change: c.44G>A on transcript NM_006744.4 (MANE Select); coding-DNA position 44, G replaced by A.
Protein change: p.Ser15Asn; replaces serine 15 with asparagine.
Molecular consequence: missense variant. On other transcripts: intron variant (1).
Genome position (GRCh38, 1-based): chr10:93,600,985, C>T on the plus strand (G>A on the coding strand, the complement: RBP4 is on the minus strand). VCF-style: chr10-93600985-C-T. GRCh37 (hg19) VCF-style: chr10-95360742-C-T.
Other names: c.44G>A, p.Ser15Asn (NM_001323517.1); c.52-14G>A (NM_001323518.2); short protein forms S15N.
Identifiers: ClinVar variation 1022786 (VCV001022786.8), dbSNP rs2058334258, ClinGen allele CA377618898.